The following is an entry in ClinVar:

NM_033118.4(MYLK2):c.706G>C (p.Glu236Gln)

Gene: MYLK2 (myosin light chain kinase 2; plus strand). Cytogenetic location: 20q11.21.
Variant type: single nucleotide variant.
Coding change: c.706G>C on transcript NM_033118.4 (MANE Select); coding-DNA position 706, G replaced by C.
Protein change: p.Glu236Gln; replaces glutamic acid 236 with glutamine.
Molecular consequence: missense variant.
Genome position (GRCh38, 1-based): chr20:31,821,671, G>C. VCF-style: chr20-31821671-G-C. GRCh37 (hg19) VCF-style: chr20-30409474-G-C.
Other names: short protein forms E236Q.
Identifiers: ClinVar variation 2001553 (VCV002001553.4), dbSNP rs2062252912, ClinGen allele CA408526185.
Genomic context (GRCh38, chr20:31,821,671, plus strand): 5'-GGCCAGGCTAAGATGCAAGGGGACACCTCGAGGGGGATTGAGTTCCAGGCTGTTCCCTCA[G>C]AGAAATCCGAGGTGGGGCAGGCCCTCTGTCTCACAGCCAGGGAGGAGGACTGCTTCCAGA-3'
Protein context (NP_149109.1, residues 226-246): RGIEFQAVPS[Glu236Gln]KSEVGQALCL

ClinVar aggregate classification (germline): Uncertain significance (1 of 4 stars; one submission).

Conditions:
Hypertrophic cardiomyopathy 1 (CMH1). Also called: MYH7-Related Familial Hypertrophic Cardiomyopathy; Familial hypertrophic cardiomyopathy 1. Identifiers: MedGen C3495498, MONDO:0008647, OMIM 192600.

Allele frequency attached by ClinVar (database versions not stated): gnomAD exomes below 0.00001.
gnomAD v4.1: 5 of 1,613,556 alleles (0.00031%); highest among the groups gnomAD compares: Non-Finnish European, 0.00042%; no homozygotes.

Submission:

Labcorp Genetics (formerly Invitae), Labcorp
Classification: Uncertain significance for Hypertrophic cardiomyopathy 1. Last evaluated: 2024-01-02. Review status: criteria provided, single submitter. Criteria: Invitae Variant Classification Sherloc (09022015). Collection method: clinical testing. Allele origin: germline.
Comment: This sequence change replaces glutamic acid, which is acidic and polar, with glutamine, which is neutral and polar, at codon 236 of the MYLK2 protein (p.Glu236Gln). This variant is not present in population databases (gnomAD no frequency). This variant has not been reported in the literature in individuals affected with MYLK2-related conditions. ClinVar contains an entry for this variant (Variation ID: 2001553). Advanced modeling of protein sequence and biophysical properties (such as structural, functional, and spatial information, amino acid conservation, physicochemical variation, residue mobility, and thermodynamic stability) performed at Invitae indicates that this missense variant is not expected to disrupt MYLK2 protein function with a negative predictive value of 80%. In summary, the available evidence is currently insufficient to determine the role of this variant in disease. Therefore, it has been classified as a Variant of Uncertain Significance.